The following is an entry in ClinVar:

ClinVar aggregate classification (germline): Likely benign. Review status: criteria provided, single submitter (1 of 4 stars). 2 submissions from 2 submitters: Likely benign (1). 1 of the submissions does not count toward it. Last evaluated 2018-09-25.

Conditions:
TBC1D7-related disorder. Also called: TBC1D7-related condition.

Allele frequency attached by ClinVar (database versions not stated): gnomAD 0.00003; TOPMed 0.00004; ExAC 0.00006; gnomAD exomes 0.00008; ESP Exome Variant Server 0.00015.
gnomAD v4.1: 41 of 1,612,934 alleles (0.0025%); highest among the groups gnomAD compares: South Asian, 0.018%; 1 homozygote.

Submissions (2):

Labcorp Genetics (formerly Invitae), Labcorp
Classification: Likely benign. Last evaluated: 2018-09-25. Review status: criteria provided, single submitter. Criteria: Invitae Variant Classification Sherloc (09022015). Collection method: clinical testing. Allele origin: germline.

PreventionGenetics, part of Exact Sciences
Classification: Likely benign for TBC1D7-related condition. Last evaluated: 2024-09-04. Review status: no assertion criteria provided. Collection method: clinical testing. Allele origin: germline. Not counted in ClinVar's aggregate classification.
Comment: This variant is classified as likely benign based on ACMG/AMP sequence variant interpretation guidelines (Richards et al. 2015 PMID: 25741868, with internal and published modifications).

NM_016495.6(TBC1D7):c.213C>T (p.His71=)

Genes: TBC1D7 (TBC1 domain family member 7; minus strand), TBC1D7-LOC100130357 (TBC1D7-LOC100130357 readthrough; minus strand). Cytogenetic location: 6p24.1.
Variant type: single nucleotide variant.
Coding change: c.213C>T on transcript NM_016495.6 (MANE Select); coding-DNA position 213, C replaced by T.
Protein change: p.His71=; no amino-acid change (histidine 71 retained).
Molecular consequence: synonymous variant. On other transcripts: non-coding transcript variant (1).
Genome position (GRCh38, 1-based): chr6:13,321,076, G>A on the plus strand (C>T on the coding strand, the complement: TBC1D7 is on the minus strand). VCF-style: chr6-13321076-G-A. GRCh37 (hg19) VCF-style: chr6-13321308-G-A.
Other names: c.213C>T, p.His71= (NM_001318809.2, NM_001143964.4, NM_001143965.4 and 2 more transcripts); c.132C>T, p.His44= (NM_001143966.4, NM_001318806.2).
Identifiers: ClinVar variation 752023 (VCV000752023.4), dbSNP rs370827019, ClinGen allele CA3639845.